The following is an entry in ClinVar:

ClinVar aggregate classification (germline): Pathogenic/Likely pathogenic. Review status: criteria provided, multiple submitters, no conflicts (2 of 4 stars). 4 submissions from 4 submitters: Pathogenic (2); Likely pathogenic (2). Last evaluated 2026-02-01.

Conditions:
Asphyxiating thoracic dystrophy 3. Also called: SHORT-RIB THORACIC DYSPLASIA 3 WITH OR WITHOUT POLYDACTYLY; POLYDACTYLY WITH NEONATAL CHONDRODYSTROPHY, TYPE I; SHORT-RIB THORACIC DYSPLASIA 3/6 WITH POLYDACTYLY, DIGENIC; Short rib polydactyly syndrome 2B; Saldino-Noonan Syndrome. Identifiers: Orphanet 474, Orphanet 93269, Orphanet 93270, Orphanet 93271, MedGen C0036069, MONDO:0013127, OMIM 613091.
Jeune thoracic dystrophy. Also called: Jeune syndrome; Infantile thoracic dystrophy; Thoracic pelvic phalangeal dystrophy; Jeune's syndrome; Chondroectodermal dysplasia-like syndrome; Short-rib thoracic dysplasia. Identifiers: Orphanet 474, MedGen C0265275, MONDO:0018770.
DYNC2H1-related disorder. Also called: DYNC2H1-related condition; DYNC2H1-related disorders. Identifiers: MedGen CN378770.

Allele frequency attached by ClinVar (database versions not stated): gnomAD 0.00001.
gnomAD v4.1: 7 of 1,613,400 alleles (0.00043%); highest among the groups gnomAD compares: South Asian, 0.0022%; no homozygotes.

Submissions (4):

Labcorp Genetics (formerly Invitae), Labcorp
Classification: Pathogenic for Jeune thoracic dystrophy. Last evaluated: 2026-02-01. Review status: criteria provided, single submitter. Criteria: Invitae Variant Classification Sherloc (09022015). Collection method: clinical testing. Allele origin: germline.
Comment: This sequence change creates a premature translational stop signal (p.Arg1287*) in the DYNC2H1 gene. It is expected to result in an absent or disrupted protein product. Loss-of-function variants in DYNC2H1 are known to be pathogenic (PMID: 23339108, 32753734, 33755199). This variant is present in population databases (no rsID available, gnomAD 0.01%). This variant has not been reported in the literature in individuals affected with DYNC2H1-related conditions. ClinVar contains an entry for this variant (Variation ID: 2914978). For these reasons, this variant has been classified as Pathogenic.

Myriad Genetics, Inc.
Classification: Pathogenic for Asphyxiating thoracic dystrophy 3. Last evaluated: 2025-06-06. Review status: criteria provided, single submitter. Criteria: Myriad Autosomal Dominant, Autosomal Recessive and X-Linked Classification Criteria (2023). Collection method: clinical testing. Allele origin: unknown.
Comment: NM_001377.2(DYNC2H1):c.3859C>T(R1287*) is expected to be pathogenic in the context of DYNC2H1-related disorders. This variant is predicted to lead to an abnormal or absent protein product due to the creation of a premature termination codon in DYNC2H1, a gene where loss-of-function variants are known to be pathogenic. Please note: this variant was assessed in the context of healthy population screening.

Neuberg Centre For Genomic Medicine, NCGM
Classification: Likely pathogenic for Asphyxiating thoracic dystrophy 3. Last evaluated: 2023-06-22. Review status: criteria provided, single submitter. Criteria: ACMG Guidelines, 2015. Collection method: clinical testing. Allele origin: germline. Inheritance: Autosomal recessive inheritance. Affected: yes.
Comment: The observed stop gained variant c.3859C>T(p.Arg1287Ter) in DYNC2H1 gene has not been reported previously as a pathogenic variant nor as a benign variant, to our knowledge. This variant is repoted with 0.003% allele frequency in gnomAD Exomes. The nucleotide change c.3859C>T in DYNC2H1 is predicted as conserved by GERP++ and PhyloP across 100 vertebrates. Computational evidence (MutationTaster -Disease causing) predicts damaging effect on protein structure and function for this variant. This variant is predicted to cause loss of normal protein function through protein truncation. Loss of function variants have been previously reported to be disease causing. For these reasons, this variant has been classified as Likely Pathogenic.

Blueprint Genetics
Classification: Likely pathogenic for DYNC2H1-related disorders. Last evaluated: 2021-04-28. Review status: criteria provided, single submitter. Criteria: ACMG Guidelines, 2015. Collection method: clinical testing. Allele origin: germline. Affected: yes. Observed: 2 variant alleles.

Literature cited by the submitters: PubMed 23339108 (cited by Labcorp Genetics (formerly Invitae), Labcorp); PubMed 32753734 (cited by Labcorp Genetics (formerly Invitae), Labcorp); PubMed 33755199 (cited by Labcorp Genetics (formerly Invitae), Labcorp).

NM_001377.3(DYNC2H1):c.3859C>T (p.Arg1287Ter)

Gene: DYNC2H1 (dynein cytoplasmic 2 heavy chain 1; plus strand). Cytogenetic location: 11q22.3.
Variant type: single nucleotide variant.
Coding change: c.3859C>T on transcript NM_001377.3 (MANE Select); coding-DNA position 3859, C replaced by T.
Protein change: p.Arg1287Ter; replaces arginine 1287 with a stop codon.
Molecular consequence: nonsense.
Genome position (GRCh38, 1-based): chr11:103,156,502, C>T. VCF-style: chr11-103156502-C-T. GRCh37 (hg19) VCF-style: chr11-103027231-C-T.
Other names: c.3859C>T, p.Arg1287Ter (NM_001080463.2); short protein forms R1287*.
Identifiers: ClinVar variation 2914978 (VCV002914978.7), dbSNP rs756002632, ClinGen allele CA382274819.